The following is an entry in ClinVar:

ClinVar aggregate classification (germline): Likely benign (0 of 4 stars; one submission).

Conditions:
SLC52A2-related disorder. Also called: SLC52A2-related condition.

Submission:

PreventionGenetics, part of Exact Sciences
Classification: Likely benign for SLC52A2-related condition. Last evaluated: 2020-06-15. Review status: no assertion criteria provided. Collection method: clinical testing. Allele origin: germline.
Comment: This variant is classified as likely benign based on ACMG/AMP sequence variant interpretation guidelines (Richards et al. 2015 PMID: 25741868, with internal and published modifications).

NM_001363118.2(SLC52A2):c.1098G>T (p.Val366=)

Gene: SLC52A2 (solute carrier family 52 member 2; plus strand). Cytogenetic location: 8q24.3.
Variant type: single nucleotide variant.
Coding change: c.1098G>T on transcript NM_001363118.2 (MANE Select); coding-DNA position 1098, G replaced by T.
Protein change: p.Val366=; no amino-acid change (valine 366 retained).
Molecular consequence: synonymous variant. On other transcripts: non-coding transcript variant (1).
Genome position (GRCh38, 1-based): chr8:144,360,686, G>T. VCF-style: chr8-144360686-G-T. GRCh37 (hg19) VCF-style: chr8-145584346-G-T.
Other names: c.1098G>T, p.Val366= (NM_001253815.2, NM_001253816.2, NM_001363120.2 and 2 more transcripts); c.606G>T, p.Val202= (NM_001363122.2); c.834G>T, p.Val278= (NM_001410949.1).
Identifiers: ClinVar variation 3036525 (VCV003036525.2), dbSNP rs2537248909, ClinGen allele CA463550329.